The following is an entry in ClinVar:

ClinVar aggregate classification (germline): Likely pathogenic (1 of 4 stars; one submission).

Conditions:
LAMA2-related muscular dystrophy (LAMA2-RD). Also called: Laminin alpha 2-related dystrophy. Identifiers: MedGen C5679788, MONDO:0100228.

Submission:

Myriad Genetics, Inc.
Classification: Likely pathogenic for LAMA2-related muscular dystrophy. Last evaluated: 2019-06-08. Review status: criteria provided, single submitter. Criteria: Myriad Autosomal Dominant, Autosomal Recessive and X-Linked Classification Criteria (2023). Collection method: clinical testing. Allele origin: unknown.
Comment: NM_000426.3(LAMA2):c.1942G>T(E648*) is expected to be pathogenic in the context of LAMA2-related muscular dystrophy. This variant is predicted to lead to an abnormal or absent protein product due to the creation of a premature termination codon in LAMA2, a gene where loss-of-function variants are known to be pathogenic. Please note: this variant was assessed in the context of healthy population screening.

NM_000426.4(LAMA2):c.1942G>T (p.Glu648Ter)

Gene: LAMA2 (laminin subunit alpha 2; plus strand). Cytogenetic location: 6q22.33.
Variant type: single nucleotide variant.
Coding change: c.1942G>T on transcript NM_000426.4 (MANE Select); coding-DNA position 1942, G replaced by T.
Protein change: p.Glu648Ter; replaces glutamic acid 648 with a stop codon.
Molecular consequence: nonsense.
Genome position (GRCh38, 1-based): chr6:129,252,141, G>T. VCF-style: chr6-129252141-G-T. GRCh37 (hg19) VCF-style: chr6-129573286-G-T.
Other names: c.1942G>T, p.Glu648Ter (NM_001079823.2); short protein forms E648*.
Identifiers: ClinVar variation 984075 (VCV000984075.4), dbSNP rs1786301728, ClinGen allele CA365610295.